The following is an entry in ClinVar:

NM_001379200.1(TBX1):c.173G>A (p.Arg58His)

Gene: TBX1 (T-box transcription factor 1; plus strand). Cytogenetic location: 22q11.21.
Variant type: single nucleotide variant.
Coding change: c.173G>A on transcript NM_001379200.1 (MANE Select); coding-DNA position 173, G replaced by A.
Protein change: p.Arg58His; replaces arginine 58 with histidine.
Molecular consequence: missense variant.
Genome position (GRCh38, 1-based): chr22:19,761,016, G>A. VCF-style: chr22-19761016-G-A. GRCh37 (hg19) VCF-style: chr22-19748539-G-A.
Other names: c.146G>A, p.Arg49His (NM_005992.1, NM_080646.2, NM_080647.1); short protein forms R58H, R49H.
Identifiers: ClinVar variation 3174918 (VCV003174918.3), dbSNP rs2517841853, ClinGen allele CA410681303.

ClinVar aggregate classification (germline): Conflicting classifications of pathogenicity. Review status: criteria provided, conflicting classifications (1 of 4 stars). 2 submissions from 2 submitters: Uncertain significance (1); Likely benign (1). Last evaluated 2024-06-21.

Conditions:
Cardiovascular phenotype. Identifiers: MedGen CN230736.

Submissions (2):

Ambry Genetics
Classification: Uncertain significance for Cardiovascular phenotype. Last evaluated: 2024-06-21. Review status: criteria provided, single submitter. Criteria: Ambry Variant Classification Scheme 2023. Collection method: clinical testing. Allele origin: germline.
Comment: The p.R49H variant (also known as c.146G>A), located in coding exon 2 of the TBX1 gene, results from a G to A substitution at nucleotide position 146. The arginine at codon 49 is replaced by histidine, an amino acid with highly similar properties. This amino acid position is conserved. In addition, this alteration is predicted to be tolerated by in silico analysis. Based on the available evidence, the clinical significance of this variant remains unclear.

Blueprint Genetics
Classification: Likely benign. Last evaluated: 2022-06-21. Review status: criteria provided, single submitter. Criteria: ACMG Guidelines, 2015. Collection method: clinical testing. Allele origin: germline.